The following is an entry in ClinVar:

NM_000540.3(RYR1):c.9353C>T (p.Ala3118Val)

Gene: RYR1 (ryanodine receptor 1; plus strand). Cytogenetic location: 19q13.2.
Variant type: single nucleotide variant.
Coding change: c.9353C>T on transcript NM_000540.3 (MANE Select); coding-DNA position 9353, C replaced by T.
Protein change: p.Ala3118Val; replaces alanine 3118 with valine.
Molecular consequence: missense variant.
Genome position (GRCh38, 1-based): chr19:38,512,364, C>T. VCF-style: chr19-38512364-C-T. GRCh37 (hg19) VCF-style: chr19-39003004-C-T.
Other names: NM_000540.2(RYR1):c.9353C>T; c.9353C>T, p.Ala3118Val (NM_001042723.2); short protein forms A3118V.
Identifiers: ClinVar variation 329088 (VCV000329088.46), dbSNP rs2915960, ClinGen allele CA073512.

ClinVar aggregate classification (germline): Benign. Review status: reviewed by expert panel (3 of 4 stars). 11 submissions from 9 submitters: Benign (1). 10 of the submissions do not count toward it. Last evaluated 2021-03-17.

Conditions:
RYR1-related disorder. Also called: RYR1-related condition; RYR1-related disorders. Identifiers: MedGen CN239331.
Congenital multicore myopathy with external ophthalmoplegia (CMYO1B). Also called: Minicore myopathy with external ophthalmoplegia; MULTIMINICORE DISEASE WITH EXTERNAL OPHTHALMOPLEGIA; Congenital myopathy 1B, autosomal recessive; Minicore myopathy; MULTICORE MYOPATHY. Identifiers: Orphanet 598, Orphanet 98905, MedGen C1850674, MONDO:0009712, OMIM 255320, HP:0003789.
Central core myopathy (CMYO1A). Also called: CONGENITAL MYOPATHY 1A, AUTOSOMAL DOMINANT, WITH SUSCEPTIBILITY TO MALIGNANT HYPERTHERMIA; Central core disease; Myopathy, central fibrillar. Identifiers: Orphanet 597, MedGen C5830701, MONDO:0007294, OMIM 117000.
Malignant hyperthermia, susceptibility to, 1 (MHS1). Also called: Malignant hyperthermia suceptibility 1; RYR1-Related Malignant Hyperthermia Susceptibility; Anesthesia related hyperthermia; Malignant hyperpyrexia; Fulminating hyperpyrexia; Pharmacogenic myopathy. Identifiers: Orphanet 423, MedGen C2930980, MONDO:0007783, OMIM 145600.
Inborn genetic diseases. Identifiers: MedGen C0950123, MeSH D030342.

Allele frequency attached by ClinVar (database versions not stated): gnomAD exomes 0.00013 and 0.00048; ExAC 0.00052; ESP Exome Variant Server 0.00154; TOPMed 0.00173; gnomAD 0.00181 and 0.00188; 1000 Genomes Project 0.00200; 1000 Genomes Project 30x 0.00250.
gnomAD v4.1: 483 of 1,614,068 alleles (0.03%); highest among the groups gnomAD compares: African/African-American, 0.54%; 3 homozygotes.

Submissions (11):

ClinGen Malignant Hyperthermia Susceptibility Variant Curation Expert Panel, ClinGen
Classification: Benign for Malignant hyperthermia, susceptibility to, 1. Last evaluated: 2021-03-17. Review status: reviewed by expert panel. Criteria: ClinGen MHS ACMG Specifications V1. Collection method: curation. Allele origin: germline. Inheritance: Autosomal dominant inheritance. Study: ClinGen.
Comment: This pathogenicity assessment is relevant only for malignant hyperthermia susceptibility (MHS) inherited in an autosomal dominant pattern. Variants in RYR1 can also cause other myopathies inherited in an autosomal dominant pattern or in an autosomal recessive pattern. Some of these disorders may predispose individuals to malignant hyperthermia. RYR1 variants may also contribute to a malignant hyperthermia reaction in combination with other genetic and non-genetic factors and the clinician needs to consider such factors in making management decisions. This sequence variant predicts a substitution of Alanine with Valine at codon 3118 of the RYR1 protein, p.(Ala3118Val). The maximum allele frequency for this variant among the six major gnomAD populations is AFR: 0.0063, which is considered to be too common for a pathogenic variant causing autosomal dominantly inherited MHS, BA1. This variant has been classified as Benign. Criteria implemented: BA1.

Labcorp Genetics (formerly Invitae), Labcorp
Classification: Likely benign for RYR1-related disorder. Last evaluated: 2026-01-26. Review status: criteria provided, single submitter. Criteria: Invitae Variant Classification Sherloc (09022015). Collection method: clinical testing. Allele origin: germline. Not counted in ClinVar's aggregate classification.

CeGaT Center for Human Genetics Tuebingen
Classification: Likely benign. Last evaluated: 2026-01-01. Review status: criteria provided, single submitter. Criteria: CeGaT Center For Human Genetics Tuebingen Variant Classification Criteria Version 2. Collection method: clinical testing. Allele origin: germline. Affected: yes. Observed: 4 variant alleles. Not counted in ClinVar's aggregate classification.
Comment: RYR1: PP3, BS1

Blueprint Genetics
Classification: Likely benign. Last evaluated: 2024-10-02. Review status: criteria provided, single submitter. Criteria: ACMG Guidelines, 2015. Collection method: clinical testing. Allele origin: germline. Not counted in ClinVar's aggregate classification.

Illumina Laboratory Services, Illumina
Classification: Likely benign for Central core myopathy. Last evaluated: 2019-08-14. Review status: criteria provided, single submitter. Criteria: ICSL Variant Classification Criteria 13 December 2019. Collection method: clinical testing. Allele origin: germline. Not counted in ClinVar's aggregate classification.
Comment: This variant was observed as part of a predisposition screen in an ostensibly healthy population. A literature search was performed for the gene, cDNA change, and amino acid change (where applicable). No publications were found based on this search. Allele frequency data from public databases allowed determination this variant is unlikely to cause disease. Therefore, this variant is classified as likely benign.

Illumina Laboratory Services, Illumina
Classification: Likely benign for Malignant hyperthermia, susceptibility to, 1. Last evaluated: 2019-08-14. Review status: criteria provided, single submitter. Criteria: ICSL Variant Classification Criteria 13 December 2019. Collection method: clinical testing. Allele origin: germline. Not counted in ClinVar's aggregate classification.
Comment: the same text as in the submission from Illumina Laboratory Services, Illumina above.

Illumina Laboratory Services, Illumina
Classification: Likely benign for Congenital multicore myopathy with external ophthalmoplegia. Last evaluated: 2019-08-14. Review status: criteria provided, single submitter. Criteria: ICSL Variant Classification Criteria 13 December 2019. Collection method: clinical testing. Allele origin: germline. Not counted in ClinVar's aggregate classification.
Comment: the same text as in the submission from Illumina Laboratory Services, Illumina above.

GeneDx
Classification: Likely benign. Last evaluated: 2019-08-13. Review status: criteria provided, single submitter. Criteria: GeneDx Variant Classification Process June 2021. Collection method: clinical testing. Allele origin: germline. Affected: yes. Not counted in ClinVar's aggregate classification.

Color Diagnostics, LLC DBA Color Health
Classification: Likely benign for Malignant hyperthermia, susceptibility to, 1. Last evaluated: 2018-03-23. Review status: criteria provided, single submitter. Criteria: ACMG Guidelines, 2015. Collection method: clinical testing. Allele origin: germline. Not counted in ClinVar's aggregate classification.

Ambry Genetics
Classification: Uncertain significance for Inborn genetic diseases. Last evaluated: 2016-10-12. Review status: criteria provided, single submitter. Criteria: Ambry exome assertion method (8-5-2015). Collection method: clinical testing. Allele origin: germline. Affected: yes. Observed: 1 variant allele. Not counted in ClinVar's aggregate classification.

PreventionGenetics, part of Exact Sciences
Classification: Likely benign. Last evaluated: 2016-06-24. Review status: criteria provided, single submitter. Criteria: ACMG Guidelines, 2015. Collection method: clinical testing. Allele origin: germline. Not counted in ClinVar's aggregate classification.